The following is an entry in ClinVar:

NM_152703.5(SAMD9L):c.3215G>A (p.Ser1072Asn)

Gene: SAMD9L (sterile alpha motif domain containing 9 like; minus strand). Cytogenetic location: 7q21.2.
Variant type: single nucleotide variant.
Coding change: c.3215G>A on transcript NM_152703.5 (MANE Select); coding-DNA position 3215, G replaced by A.
Protein change: p.Ser1072Asn; replaces serine 1072 with asparagine.
Molecular consequence: missense variant.
Genome position (GRCh38, 1-based): chr7:93,132,757, C>T on the plus strand (G>A on the coding strand, the complement: SAMD9L is on the minus strand). VCF-style: chr7-93132757-C-T. GRCh37 (hg19) VCF-style: chr7-92762070-C-T.
Other names: c.3215G>A, p.Ser1072Asn (NM_001303496.3, NM_001303497.3, NM_001303498.3 and 5 more transcripts); c.3215G>A (NM_152703.2); short protein forms S1072N.
Identifiers: ClinVar variation 2989523 (VCV002989523.4), dbSNP rs773672322, ClinGen allele CA4343485.
Genomic context (GRCh38, chr7:93,132,757, plus strand): 5'-AAATGTCTTGCTAAGGCTTGACAAATGAATGCATTTTGTGGGAATCGTCTACTTCCTGCA[C>T]TCAAGACCTTTTCAATGTCTTTATTCTGTAAAGCTTCCATTAATGGGGAAAACAGAGTGT-3'
Protein context (NP_689916.2, residues 1062-1082): LQNKDIEKVL[Ser1072Asn]AGSRRFPQNA

ClinVar aggregate classification (germline): Uncertain significance. Review status: criteria provided, multiple submitters, no conflicts (2 of 4 stars). 2 submissions from 2 submitters: Uncertain significance (2). Last evaluated 2025-01-07.

Conditions:
Inborn genetic diseases. Identifiers: MedGen C0950123, MeSH D030342.

Allele frequency attached by ClinVar (database versions not stated): ExAC 0.00001; gnomAD exomes 0.00001.

Submissions (2):

Ambry Genetics
Classification: Uncertain significance for Inborn genetic diseases. Last evaluated: 2025-01-07. Review status: criteria provided, single submitter. Criteria: Ambry Variant Classification Scheme 2023. Collection method: clinical testing. Allele origin: germline.
Comment: The p.S1072N variant (also known as c.3215G>A), located in coding exon 1 of the SAMD9L gene, results from a G to A substitution at nucleotide position 3215. The serine at codon 1072 is replaced by asparagine, an amino acid with highly similar properties. This amino acid position is conserved. In addition, this alteration is predicted to be tolerated by in silico analysis. Based on the available evidence, the clinical significance of this variant remains unclear.

Labcorp Genetics (formerly Invitae), Labcorp
Classification: Uncertain significance. Last evaluated: 2023-06-26. Review status: criteria provided, single submitter. Criteria: Invitae Variant Classification Sherloc (09022015). Collection method: clinical testing. Allele origin: germline.
Comment: In summary, the available evidence is currently insufficient to determine the role of this variant in disease. Therefore, it has been classified as a Variant of Uncertain Significance. Advanced modeling of protein sequence and biophysical properties (such as structural, functional, and spatial information, amino acid conservation, physicochemical variation, residue mobility, and thermodynamic stability) performed at Invitae indicates that this missense variant is not expected to disrupt SAMD9L protein function. This variant has not been reported in the literature in individuals affected with SAMD9L-related conditions. This variant is present in population databases (rs773672322, gnomAD 0.01%). This sequence change replaces serine, which is neutral and polar, with asparagine, which is neutral and polar, at codon 1072 of the SAMD9L protein (p.Ser1072Asn).